The following is an entry in ClinVar:

NM_001458.5(FLNC):c.7015A>T (p.Thr2339Ser)

Genes: FLNC (filamin C; plus strand), FLNC-AS1 (FLNC antisense RNA 1; minus strand). Cytogenetic location: 7q32.1.
Variant type: single nucleotide variant.
Coding change: c.7015A>T on transcript NM_001458.5 (MANE Select); coding-DNA position 7015, A replaced by T.
Protein change: p.Thr2339Ser; replaces threonine 2339 with serine.
Molecular consequence: missense variant.
Genome position (GRCh38, 1-based): chr7:128,854,792, A>T. VCF-style: chr7-128854792-A-T. GRCh37 (hg19) VCF-style: chr7-128494846-A-T.
Other names: c.6916A>T, p.Thr2306Ser (NM_001127487.2); short protein forms T2339S, T2306S.
Identifiers: ClinVar variation 4025636 (VCV004025636.1).

ClinVar aggregate classification (germline): Uncertain significance (1 of 4 stars; one submission).

Conditions:
Cardiovascular phenotype. Identifiers: MedGen CN230736.

Submission:

Ambry Genetics
Classification: Uncertain significance for Cardiovascular phenotype. Last evaluated: 2025-05-24. Review status: criteria provided, single submitter. Criteria: Ambry Variant Classification Scheme 2023. Collection method: clinical testing. Allele origin: germline.
Comment: The p.T2339S variant (also known as c.7015A>T), located in coding exon 42 of the FLNC gene, results from an A to T substitution at nucleotide position 7015. The threonine at codon 2339 is replaced by serine, an amino acid with similar properties. This amino acid position is conserved. In addition, the in silico prediction for this alteration is inconclusive. Based on the available evidence, the clinical significance of this variant remains unclear.